The following is an entry in ClinVar:

NM_004360.5(CDH1):c.1753C>G (p.Leu585Val)

Gene: CDH1 (cadherin 1; plus strand). Cytogenetic location: 16q22.1.
Variant type: single nucleotide variant.
Coding change: c.1753C>G on transcript NM_004360.5 (MANE Select); coding-DNA position 1753, C replaced by G.
Protein change: p.Leu585Val; replaces leucine 585 with valine.
Molecular consequence: missense variant. On other transcripts: 5 prime UTR variant (1).
Genome position (GRCh38, 1-based): chr16:68,822,042, C>G. VCF-style: chr16-68822042-C-G. GRCh37 (hg19) VCF-style: chr16-68855945-C-G.
Other names: c.1570C>G, p.Leu524Val (NM_001317184.2); c.205C>G, p.Leu69Val (NM_001317185.2); c.-213C>G (NM_001317186.2); c.1753C>G (NM_004360.4); short protein forms L585V, L69V, L524V.
Identifiers: ClinVar variation 1779429 (VCV001779429.8), dbSNP rs2152138217, ClinGen allele CA396466448.

ClinVar aggregate classification (germline): Uncertain significance. Review status: criteria provided, multiple submitters, no conflicts (2 of 4 stars). 3 submissions from 3 submitters: Uncertain significance (3). Last evaluated 2022-08-01.

Conditions:
Hereditary diffuse gastric adenocarcinoma (HDGC). Also called: DIFFUSE GASTRIC AND LOBULAR BREAST CANCER SYNDROME. Identifiers: Orphanet 26106, MedGen C1708349, MONDO:0007648, OMIM 137215.
Hereditary cancer-predisposing syndrome. Also called: Tumor predisposition; Neoplastic Syndromes, Hereditary; Hereditary Cancer Syndrome; Hereditary neoplastic syndrome. Identifiers: Orphanet 140162, MedGen C0027672, MeSH D009386, MONDO:0015356.

Allele frequency attached by ClinVar (database versions not stated): gnomAD exomes below 0.00001.
gnomAD v4.1: 1 of 1,614,172 alleles (0.000062%); highest among the groups gnomAD compares: Non-Finnish European, 0.000085%; no homozygotes.

Submissions (3):

European Reference Network on Genetic Tumour Risk Syndromes (ERN-GENTURIS), i3s - Instituto de Investigação e Inovação em Saúde, University of Porto
Classification: Uncertain significance for Hereditary diffuse gastric adenocarcinoma. Last evaluated: 2022-08-01. Review status: criteria provided, single submitter. Criteria: Lee et al. (Hum Mutat. 2018). Collection method: clinical testing. Allele origin: germline. Inheritance: Autosomal dominant inheritance. Affected: no. Study: ERN GENTURIS.
Comment: PM2 (PMID: 30311375)

Labcorp Genetics (formerly Invitae), Labcorp
Classification: Uncertain significance for Hereditary diffuse gastric adenocarcinoma. Last evaluated: 2022-03-31. Review status: criteria provided, single submitter. Criteria: Invitae Variant Classification Sherloc (09022015). Collection method: clinical testing. Allele origin: germline.
Comment: In summary, the available evidence is currently insufficient to determine the role of this variant in disease. Therefore, it has been classified as a Variant of Uncertain Significance. Algorithms developed to predict the effect of missense changes on protein structure and function are either unavailable or do not agree on the potential impact of this missense change (SIFT: "Deleterious"; PolyPhen-2: "Benign"; Align-GVGD: "Class C25"). This variant has not been reported in the literature in individuals affected with CDH1-related conditions. This variant is not present in population databases (gnomAD no frequency). This sequence change replaces leucine, which is neutral and non-polar, with valine, which is neutral and non-polar, at codon 585 of the CDH1 protein (p.Leu585Val).

Ambry Genetics
Classification: Uncertain significance for Hereditary cancer-predisposing syndrome. Last evaluated: 2021-09-21. Review status: criteria provided, single submitter. Criteria: Ambry Variant Classification Scheme 2023. Collection method: clinical testing. Allele origin: germline.
Comment: The p.L585V variant (also known as c.1753C>G), located in coding exon 12 of the CDH1 gene, results from a C to G substitution at nucleotide position 1753. The leucine at codon 585 is replaced by valine, an amino acid with highly similar properties. This amino acid position is highly conserved in available vertebrate species. In addition, this alteration is predicted to be tolerated by in silico analysis. Since supporting evidence is limited at this time, the clinical significance of this alteration remains unclear.

Literature cited by the submitters: PubMed 36436516 (cited by European Reference Network on Genetic Tumour Risk Syndromes (ERN-GENTURIS), i3s - Instituto de Investigação e Inovação em Saúde, University of Porto).